The following is an entry in ClinVar:

ClinVar aggregate classification (germline): Benign/Likely benign. Review status: criteria provided, multiple submitters, no conflicts (2 of 4 stars). 4 submissions from 4 submitters: Benign (1); Likely benign (3). Last evaluated 2026-04-01.

Conditions:
Familial cold autoinflammatory syndrome 2 (FCAS2). Identifiers: Orphanet 247868, MedGen C2673198, MONDO:0012724, OMIM 611762.

Allele frequency attached by ClinVar (database versions not stated): ESP Exome Variant Server 0.00008; gnomAD 0.00013 and 0.00018; TOPMed 0.00014; gnomAD exomes 0.00019 and 0.00023; ExAC 0.00026; 1000 Genomes Project 30x 0.00062; 1000 Genomes Project 0.00080.

Submissions (4):

CeGaT Center for Human Genetics Tuebingen
Classification: Likely benign. Last evaluated: 2026-04-01. Review status: criteria provided, single submitter. Criteria: CeGaT Center For Human Genetics Tuebingen Variant Classification Criteria Version 2. Collection method: clinical testing. Allele origin: germline. Affected: yes. Observed: 4 variant alleles.
Comment: NLRP12: BP4, BS1

Labcorp Genetics (formerly Invitae), Labcorp
Classification: Likely benign for Familial cold autoinflammatory syndrome 2. Last evaluated: 2025-11-11. Review status: criteria provided, single submitter. Criteria: Invitae Variant Classification Sherloc (09022015). Collection method: clinical testing. Allele origin: germline.

Blueprint Genetics
Classification: Likely benign. Last evaluated: 2024-11-11. Review status: criteria provided, single submitter. Criteria: ACMG Guidelines, 2015. Collection method: clinical testing. Allele origin: germline.

Illumina Laboratory Services, Illumina
Classification: Benign for Familial cold autoinflammatory syndrome 2. Last evaluated: 2018-01-13. Review status: criteria provided, single submitter. Criteria: ICSL Variant Classification Criteria 13 December 2019. Collection method: clinical testing. Allele origin: germline.
Comment: This variant was observed in the ICSL laboratory as part of a predisposition screen in an ostensibly healthy population. It had not been previously curated by ICSL or reported in the Human Gene Mutation Database (HGMD: prior to June 1st, 2018), and was therefore a candidate for classification through an automated scoring system. Utilizing variant allele frequency, disease prevalence and penetrance estimates, and inheritance mode, an automated score was calculated to assess if this variant is too frequent to cause the disease. Based on the score and internal cut-off values, a variant classified as benign is not then subjected to further curation. The score for this variant resulted in a classification of benign for this disease.

NM_144687.4(NLRP12):c.2600G>A (p.Arg867His)

Gene: NLRP12 (NLR family pyrin domain containing 12; minus strand). Cytogenetic location: 19q13.42.
Variant type: single nucleotide variant.
Coding change: c.2600G>A on transcript NM_144687.4 (MANE Select); coding-DNA position 2600, G replaced by A.
Protein change: p.Arg867His; replaces arginine 867 with histidine.
Molecular consequence: missense variant.
Genome position (GRCh38, 1-based): chr19:53,801,383, C>T on the plus strand (G>A on the coding strand, the complement: NLRP12 is on the minus strand). VCF-style: chr19-53801383-C-T. GRCh37 (hg19) VCF-style: chr19-54304637-C-T.
Other names: c.2603G>A, p.Arg868His (NM_001277126.2); c.2600G>A, p.Arg867His (NM_001277129.1); short protein forms R867H, R868H.
Identifiers: ClinVar variation 330014 (VCV000330014.38), dbSNP rs140731275, ClinGen allele CA9638979.